The following is an entry in ClinVar:

ClinVar aggregate classification (germline): Uncertain significance (1 of 4 stars; one submission).

gnomAD v4.1: 3 of 1,613,688 alleles (0.00019%); highest among the groups gnomAD compares: South Asian, 0.0033%; no homozygotes.

Submission:

GeneDx
Classification: Uncertain significance. Last evaluated: 2026-02-15. Review status: criteria provided, single submitter. Criteria: GeneDx Variant Classification Process June 2021. Collection method: clinical testing. Allele origin: germline.
Comment: Not observed at significant frequency in large population cohorts (gnomAD); In silico analysis supports that this missense variant has a deleterious effect on protein structure/function; Has not been previously published as pathogenic or benign to our knowledge

NM_000020.3(ACVRL1):c.971C>A (p.Pro324Gln)

Gene: ACVRL1 (activin A receptor like type 1; plus strand). Cytogenetic location: 12q13.13.
Variant type: single nucleotide variant.
Coding change: c.971C>A on transcript NM_000020.3 (MANE Select); coding-DNA position 971, C replaced by A.
Protein change: p.Pro324Gln; replaces proline 324 with glutamine.
Molecular consequence: missense variant.
Genome position (GRCh38, 1-based): chr12:51,915,423, C>A. VCF-style: chr12-51915423-C-A. GRCh37 (hg19) VCF-style: chr12-52309207-C-A.
Other names: c.971C>A, p.Pro324Gln (NM_001077401.2, NM_001406487.1, NM_001406488.1 and 1 more transcripts); c.659C>A, p.Pro220Gln (NM_001406490.1, NM_001406491.1, NM_001406492.1 and 2 more transcripts); c.407C>A, p.Pro136Gln (NM_001406495.1); short protein forms P136Q, P220Q, P324Q.
Identifiers: ClinVar variation 4681039 (VCV004681039.2).